The following is an entry in ClinVar:

NM_000291.4(PGK1):c.418-7T>G

Gene: PGK1 (phosphoglycerate kinase 1; plus strand). Cytogenetic location: Xq21.1.
Variant type: single nucleotide variant.
Coding change: c.418-7T>G on transcript NM_000291.4 (MANE Select); 7 bases into the intron before coding-DNA position 418, T replaced by G.
Molecular consequence: intron variant.
Genome position (GRCh38, 1-based): chrX:78,117,305, T>G. VCF-style: chrX-78117305-T-G. GRCh37 (hg19) VCF-style: chrX-77372802-T-G.
Identifiers: ClinVar variation 1805766 (VCV001805766.1), dbSNP rs2522492997, ClinGen allele CA923726159.

ClinVar aggregate classification (germline): Uncertain significance (1 of 4 stars; one submission).

Conditions:
Glycogen storage disease due to phosphoglycerate kinase 1 deficiency. Also called: PGK1 DEFICIENCY; PHOSPHOGLYCERATE KINASE 1 DEFICIENCY WITH LEVO-DOPA-RESPONSIVE PARKINSONISM. Identifiers: Orphanet 713, MedGen C1970848, MONDO:0010392, OMIM 300653.

Allele frequency attached by ClinVar (database versions not stated): gnomAD exomes 0.00001.
gnomAD v4.1: 4 of 1,165,804 alleles (0.00034%); highest among the groups gnomAD compares: Non-Finnish European, 0.00035%; no homozygotes.

Submission:

Victorian Clinical Genetics Services, Murdoch Childrens Research Institute
Classification: Uncertain significance for Glycogen storage disease due to phosphoglycerate kinase 1 deficiency. Last evaluated: 2020-05-25. Review status: criteria provided, single submitter. Criteria: ACMG Guidelines, 2015. Collection method: clinical testing. Allele origin: germline. Inheritance: X-linked recessive inheritance.
Comment: Based on the classification scheme VCGS_Germline_v1.1.1, this variant is classified as 3C-VUS. Following criteria are met: 0102 - Loss-of-function is a known mechanism of disease for this gene. (N) 0109 - This gene is known to be associated with X-linked recessive disease. (N) 0212 - Non-canonical splice variant without proven consequence on splicing (no functional evidence available; intron 4). (P) 0253 - Variant is hemizygous. (N) 0301 - Variant is absent from gnomAD. (P) 0506 - Abnormal splicing is not predicted and nucleotide is poorly conserved. (B) 0705 - No comparable variants have previous evidence for pathogenicity. (N) 0807 - Variant has not previously been reported in a clinical context. (N) 0905 - No segregation evidence has been identified for this variant. (N) 1007 - No published functional evidence has been identified for this variant. (N) 1208 - Inheritance information for this variant is not currently available. (N) Legend: (P) - Pathogenic, (N) - Neutral, (B) - Benign